The following is an entry in ClinVar:

ClinVar aggregate classification (germline): Uncertain significance (1 of 4 stars; one submission).

Submission:

GeneDx
Classification: Uncertain significance. Last evaluated: 2026-04-04. Review status: criteria provided, single submitter. Criteria: GeneDx Variant Classification Process June 2021. Collection method: clinical testing. Allele origin: germline.
Comment: Not observed at significant frequency in large population cohorts (gnomAD); In silico analysis supports that this missense variant has a deleterious effect on protein structure/function; Has not been previously published as pathogenic or benign to our knowledge

NM_020791.4(TAOK1):c.1428G>C (p.Lys476Asn)

Gene: TAOK1 (TAO kinase 1; plus strand). Cytogenetic location: 17q11.2.
Variant type: single nucleotide variant.
Coding change: c.1428G>C on transcript NM_020791.4 (MANE Select); coding-DNA position 1428, G replaced by C.
Protein change: p.Lys476Asn; replaces lysine 476 with asparagine.
Molecular consequence: missense variant.
Genome position (GRCh38, 1-based): chr17:29,507,985, G>C. VCF-style: chr17-29507985-G-C. GRCh37 (hg19) VCF-style: chr17-27835003-G-C.
Other names: c.1428G>C, p.Lys476Asn (NM_025142.1); short protein forms K476N.
Identifiers: ClinVar variation 5016811 (VCV005016811.1).